The following is an entry in ClinVar:

NM_001349253.2(SCN11A):c.865A>G (p.Lys289Glu)

Gene: SCN11A (sodium voltage-gated channel alpha subunit 11; minus strand). Cytogenetic location: 3p22.2.
Variant type: single nucleotide variant.
Coding change: c.865A>G on transcript NM_001349253.2 (MANE Select); coding-DNA position 865, A replaced by G.
Protein change: p.Lys289Glu; replaces lysine 289 with glutamic acid.
Molecular consequence: missense variant.
Genome position (GRCh38, 1-based): chr3:38,921,103, T>C on the plus strand (A>G on the coding strand, the complement: SCN11A is on the minus strand). VCF-style: chr3-38921103-T-C. GRCh37 (hg19) VCF-style: chr3-38962594-T-C.
Other names: c.865A>G, p.Lys289Glu (NM_014139.3); short protein forms K289E.
Identifiers: ClinVar variation 1413768 (VCV001413768.6), dbSNP rs1553640810, ClinGen allele CA352171945.

ClinVar aggregate classification (germline): Uncertain significance (1 of 4 stars; one submission).

Conditions:
Hereditary sensory and autonomic neuropathy type 7. Also called: Neuropathy, hereditary sensory and autonomic, type VII; HSAN VII. Identifiers: Orphanet 391397, MedGen C3809882, MONDO:0014244, OMIM 615548.
Familial episodic pain syndrome with predominantly lower limb involvement. Also called: Episodic pain syndrome, familial, 3. Identifiers: Orphanet 391384, Orphanet 391392, MedGen C3809899, MONDO:0014247, OMIM 615552.

Allele frequency attached by ClinVar (database versions not stated): gnomAD exomes 0.00001; TOPMed 0.00001.
gnomAD v4.1: 16 of 1,614,082 alleles (0.00099%); highest among the groups gnomAD compares: African/African-American, 0.0013%; no homozygotes.

Submission:

Labcorp Genetics (formerly Invitae), Labcorp
Classification: Uncertain significance for Familial episodic pain syndrome with predominantly lower limb involvement; Hereditary sensory and autonomic neuropathy type 7. Last evaluated: 2021-09-16. Review status: criteria provided, single submitter. Criteria: Invitae Variant Classification Sherloc (09022015). Collection method: clinical testing. Allele origin: germline.
Comment: In summary, the available evidence is currently insufficient to determine the role of this variant in disease. Therefore, it has been classified as a Variant of Uncertain Significance. Algorithms developed to predict the effect of missense changes on protein structure and function output the following: SIFT: "Tolerated"; PolyPhen-2: "Benign"; Align-GVGD: "Class C0". The glutamic acid amino acid residue is found in multiple mammalian species, which suggests that this missense change does not adversely affect protein function. This variant has not been reported in the literature in individuals affected with SCN11A-related conditions. This variant is not present in population databases (ExAC no frequency). This sequence change replaces lysine with glutamic acid at codon 289 of the SCN11A protein (p.Lys289Glu). The lysine residue is weakly conserved and there is a small physicochemical difference between lysine and glutamic acid.